The following is an entry in ClinVar:

ClinVar aggregate classification (germline): Uncertain significance. Review status: criteria provided, multiple submitters, no conflicts (2 of 4 stars). 3 submissions from 3 submitters: Uncertain significance (3). Last evaluated 2025-04-14.

Conditions:
Dilated cardiomyopathy 1JJ (CMD1JJ). Identifiers: Orphanet 154, MedGen C3808935, MONDO:0014095, OMIM 615235.
Cardiovascular phenotype. Identifiers: MedGen CN230736.

Allele frequency attached by ClinVar (database versions not stated): gnomAD exomes below 0.00001.
gnomAD v4.1: 5 of 1,614,064 alleles (0.00031%); highest among the groups gnomAD compares: South Asian, 0.0011%; no homozygotes.

Submissions (3):

Ambry Genetics
Classification: Uncertain significance for Cardiovascular phenotype. Last evaluated: 2025-04-14. Review status: criteria provided, single submitter. Criteria: Ambry Variant Classification Scheme 2023. Collection method: clinical testing. Allele origin: germline.
Comment: The p.T1003I variant (also known as c.3008C>T), located in coding exon 22 of the LAMA4 gene, results from a C to T substitution at nucleotide position 3008. The threonine at codon 1003 is replaced by isoleucine, an amino acid with similar properties. This amino acid position is well conserved in available vertebrate species. In addition, this alteration is predicted to be deleterious by in silico analysis. The evidence for this gene-disease relationship is limited; therefore, the clinical significance of this alteration is unclear.

Labcorp Genetics (formerly Invitae), Labcorp
Classification: Uncertain significance for Dilated cardiomyopathy 1JJ. Last evaluated: 2022-04-03. Review status: criteria provided, single submitter. Criteria: Invitae Variant Classification Sherloc (09022015). Collection method: clinical testing. Allele origin: germline.
Comment: This sequence change replaces threonine, which is neutral and polar, with isoleucine, which is neutral and non-polar, at codon 1003 of the LAMA4 protein (p.Thr1003Ile). This variant is not present in population databases (gnomAD no frequency). This variant has not been reported in the literature in individuals affected with LAMA4-related conditions. ClinVar contains an entry for this variant (Variation ID: 191685). Algorithms developed to predict the effect of missense changes on protein structure and function are either unavailable or do not agree on the potential impact of this missense change (SIFT: "Deleterious"; PolyPhen-2: "Probably Damaging"; Align-GVGD: "Class C15"). In summary, the available evidence is currently insufficient to determine the role of this variant in disease. Therefore, it has been classified as a Variant of Uncertain Significance.

Biesecker Lab/Clinical Genomics Section, National Institutes of Health
Classification: Uncertain significance. Last evaluated: 2013-06-24. Review status: criteria provided, single submitter. Criteria: Ng et al. (Circ Cardiovasc Genet. 2013). Collection method: research. Allele origin: unknown. Observed: 1 variant allele. Study: ClinSeq.
Comment: The study set was not selected for affection status in relation to any cancer. Pathogenicity categories were based on literature curation. See Pubmed ID:23861362 for details.

Medical sequencing

NM_001105206.3(LAMA4):c.3029C>T (p.Thr1010Ile)

Gene: LAMA4 (laminin subunit alpha 4; minus strand). Cytogenetic location: 6q21.
Variant type: single nucleotide variant.
Coding change: c.3029C>T on transcript NM_001105206.3 (MANE Select); coding-DNA position 3029, C replaced by T.
Protein change: p.Thr1010Ile; replaces threonine 1010 with isoleucine.
Molecular consequence: missense variant.
Genome position (GRCh38, 1-based): chr6:112,139,833, G>A on the plus strand (C>T on the coding strand, the complement: LAMA4 is on the minus strand). VCF-style: chr6-112139833-G-A. GRCh37 (hg19) VCF-style: chr6-112461035-G-A.
Other names: c.3008C>T (LRG_433t2); c.3008C>T, p.Thr1003Ile (NM_001105207.3, NM_002290.5); short protein forms T1003I, T1010I.
Identifiers: ClinVar variation 191685 (VCV000191685.8), dbSNP rs201431614, ClinGen allele CA237261.
Genomic context (GRCh38, chr6:112,139,833, plus strand): 5'-GAGGGGTCCATATTATAGATGTGCTTAAAGTTGTACAAGCTGATCACATCATTATTCAAA[G>A]TGGCCAGTTCCAGGCAGCCAACAAAGCCAGGCAGGTTTAAGCTGGTAGGGAGCTATGCAA-3'
Protein context (NP_001098676.2, residues 1000-1020): PGFVGCLELA[Thr1010Ile]LNNDVISLYN